The following is an entry in ClinVar:

NM_001384474.1(LOXHD1):c.671T>A (p.Ile224Asn)

Gene: LOXHD1 (lipoxygenase homology PLAT domains 1; minus strand). Cytogenetic location: 18q21.1.
Variant type: single nucleotide variant.
Coding change: c.671T>A on transcript NM_001384474.1 (MANE Select); coding-DNA position 671, T replaced by A.
Protein change: p.Ile224Asn; replaces isoleucine 224 with asparagine.
Molecular consequence: missense variant.
Genome position (GRCh38, 1-based): chr18:46,610,864, A>T on the plus strand (T>A on the coding strand, the complement: LOXHD1 is on the minus strand). VCF-style: chr18-46610864-A-T. GRCh37 (hg19) VCF-style: chr18-44190827-A-T.
Other names: c.671T>A, p.Ile224Asn (NM_144612.7); short protein forms I224N.
Identifiers: ClinVar variation 3626150 (VCV003626150.2).

ClinVar aggregate classification (germline): Uncertain significance (1 of 4 stars; one submission).

gnomAD v4.1: 15 of 1,551,840 alleles (0.00097%); highest among the groups gnomAD compares: Non-Finnish European, 0.0013%; no homozygotes.

Submission:

Labcorp Genetics (formerly Invitae), Labcorp
Classification: Uncertain significance. Last evaluated: 2025-04-17. Review status: criteria provided, single submitter. Criteria: Invitae Variant Classification Sherloc (09022015). Collection method: clinical testing. Allele origin: germline.
Comment: This sequence change replaces isoleucine, which is neutral and non-polar, with asparagine, which is neutral and polar, at codon 224 of the LOXHD1 protein (p.Ile224Asn). This variant is present in population databases (rs749131194, gnomAD 0.003%). This variant has not been reported in the literature in individuals affected with LOXHD1-related conditions. ClinVar contains an entry for this variant (Variation ID: 3626150). An algorithm developed to predict the effect of missense changes on protein structure and function (PolyPhen-2) suggests that this variant is likely to be tolerated. In summary, the available evidence is currently insufficient to determine the role of this variant in disease. Therefore, it has been classified as a Variant of Uncertain Significance.